The following is an entry in ClinVar:

ClinVar aggregate classification (germline): Uncertain significance. Review status: criteria provided, multiple submitters, no conflicts (2 of 4 stars). 2 submissions from 2 submitters: Uncertain significance (2). Last evaluated 2025-07-28.

Conditions:
Ehlers-Danlos syndrome, musculocontractural type (EDSMC). Also called: Adducted thumb, clubfoot, progressive joint and skin laxity syndrome; ADDUCTED THUMB-CLUBFOOT SYNDROME; ARTHROGRYPOSIS, DISTAL, WITH PECULIAR FACIES AND HYDRONEPHROSIS; DUNDAR SYNDROME. Identifiers: Orphanet 2953, MedGen C1866294, MONDO:0011142.
Cardiovascular phenotype. Identifiers: MedGen CN230736.

Allele frequency attached by ClinVar (database versions not stated): gnomAD 0.00002 and 0.00003; TOPMed 0.00002; 1000 Genomes Project 0.00020; 1000 Genomes Project 30x 0.00031.
gnomAD v4.1: 53 of 1,590,434 alleles (0.0033%); highest among the groups gnomAD compares: Non-Finnish European, 0.0044%; no homozygotes.

Submissions (2):

Ambry Genetics
Classification: Uncertain significance for Cardiovascular phenotype. Last evaluated: 2025-07-28. Review status: criteria provided, single submitter. Criteria: Ambry Variant Classification Scheme 2023. Collection method: clinical testing. Allele origin: germline.
Comment: The p.R84S variant (also known as c.250C>A), located in coding exon 1 of the CHST14 gene, results from a C to A substitution at nucleotide position 250. The arginine at codon 84 is replaced by serine, an amino acid with dissimilar properties. This amino acid position is not well conserved in available vertebrate species, and serine is the reference amino acid in other vertebrate species. In addition, this alteration is predicted to be tolerated by in silico analysis. Since supporting evidence is limited at this time, the clinical significance of this alteration remains unclear.

Labcorp Genetics (formerly Invitae), Labcorp
Classification: Uncertain significance for Ehlers-Danlos syndrome, musculocontractural type. Last evaluated: 2022-05-10. Review status: criteria provided, single submitter. Criteria: Invitae Variant Classification Sherloc (09022015). Collection method: clinical testing. Allele origin: germline.
Comment: This sequence change replaces arginine, which is basic and polar, with serine, which is neutral and polar, at codon 84 of the CHST14 protein (p.Arg84Ser). The frequency data for this variant in the population databases is considered unreliable, as metrics indicate poor data quality at this position in the gnomAD database. This variant has not been reported in the literature in individuals affected with CHST14-related conditions. ClinVar contains an entry for this variant (Variation ID: 663357). Algorithms developed to predict the effect of missense changes on protein structure and function output the following: SIFT: "Tolerated"; PolyPhen-2: "Benign"; Align-GVGD: "Class C0". The serine amino acid residue is found in multiple mammalian species, which suggests that this missense change does not adversely affect protein function. In summary, the available evidence is currently insufficient to determine the role of this variant in disease. Therefore, it has been classified as a Variant of Uncertain Significance.

NM_130468.4(CHST14):c.250C>A (p.Arg84Ser)

Gene: CHST14 (carbohydrate sulfotransferase 14; plus strand). Cytogenetic location: 15q15.1.
Variant type: single nucleotide variant.
Coding change: c.250C>A on transcript NM_130468.4 (MANE Select); coding-DNA position 250, C replaced by A.
Protein change: p.Arg84Ser; replaces arginine 84 with serine.
Molecular consequence: missense variant.
Genome position (GRCh38, 1-based): chr15:40,471,463, C>A. VCF-style: chr15-40471463-C-A. GRCh37 (hg19) VCF-style: chr15-40763662-C-A.
Other names: short protein forms R84S.
Identifiers: ClinVar variation 663357 (VCV000663357.13), dbSNP rs561964206, ClinGen allele CA7481566.
Genomic context (GRCh38, chr15:40,471,463, plus strand): 5'-ATCCTGGCCGAGATGAAGCCCCTGCCCCTGCACCCGCCCGGCCGCGAGGGCACAGCCTGG[C>A]GCGGGAAAGCCCCCAAGCCTGGGGGCCTGTCCCTCAGGGCTGGGGACGCGGACTTGCAAG-3'
Protein context (NP_569735.1, residues 74-94): HPPGREGTAW[Arg84Ser]GKAPKPGGLS